The following is an entry in ClinVar:

ClinVar aggregate classification (germline): Uncertain significance. Review status: criteria provided, multiple submitters, no conflicts (2 of 4 stars). 2 submissions from 2 submitters: Uncertain significance (2). Last evaluated 2025-11-17.

Conditions:
Neurodevelopmental disorder with regression, abnormal movements, loss of speech, and seizures. Identifiers: Orphanet 597623, MedGen C4748127, MONDO:0060759, OMIM 618088.

Submissions (2):

GeneDx
Classification: Uncertain significance. Last evaluated: 2025-11-17. Review status: criteria provided, single submitter. Criteria: GeneDx Variant Classification Process June 2021. Collection method: clinical testing. Allele origin: germline.
Comment: Not observed at significant frequency in large population cohorts (gnomAD); In silico analysis supports that this missense variant has a deleterious effect on protein structure/function; Has not been previously published as pathogenic or benign to our knowledge

3billion
Classification: Uncertain significance for Neurodevelopmental disorder with regression, abnormal movements, loss of speech, and seizures. Last evaluated: 2025-09-15. Review status: criteria provided, single submitter. Criteria: ACMG Guidelines, 2015. Collection method: clinical testing. Allele origin: germline. Affected: yes.
Comment: The variant is not observed in the gnomAD v4.1.0 dataset. Predicted Consequence/Location: Missense variant. The majority of the known disease-causing variants of this gene are variants expected to result in premature termination of the protein. In silico tool predictions suggest damaging effect of the variant on gene or gene product [3Cnet: 0.93 (> 0.75, sensitivity 0.96 and precision 0.92)]. The variant has been reported as of uncertain significance (ClinVar ID: VCV003773949). Therefore, this variant is classified as VUS according to the recommendation of ACMG/AMP guideline.

NM_024496.4(IRF2BPL):c.1155C>G (p.Cys385Trp)

Gene: IRF2BPL (interferon regulatory factor 2 binding protein like; minus strand). Cytogenetic location: 14q24.3.
Variant type: single nucleotide variant.
Coding change: c.1155C>G on transcript NM_024496.4 (MANE Select); coding-DNA position 1155, C replaced by G.
Protein change: p.Cys385Trp; replaces cysteine 385 with tryptophan.
Molecular consequence: missense variant.
Genome position (GRCh38, 1-based): chr14:77,026,638, G>C on the plus strand (C>G on the coding strand, the complement: IRF2BPL is on the minus strand). VCF-style: chr14-77026638-G-C. GRCh37 (hg19) VCF-style: chr14-77492981-G-C.
Other names: short protein forms C385W.
Identifiers: ClinVar variation 3773949 (VCV003773949.3).